The following is an entry in ClinVar:

NM_001768.7(CD8A):c.348G>A (p.Ser116=)

Gene: CD8A (CD8 subunit alpha; minus strand). Cytogenetic location: 2p11.2.
Variant type: single nucleotide variant.
Coding change: c.348G>A on transcript NM_001768.7 (MANE Select); coding-DNA position 348, G replaced by A.
Protein change: p.Ser116=; no amino-acid change (serine 116 retained).
Molecular consequence: synonymous variant. On other transcripts: non-coding transcript variant (3).
Genome position (GRCh38, 1-based): chr2:86,790,383, C>T on the plus strand (G>A on the coding strand, the complement: CD8A is on the minus strand). VCF-style: chr2-86790383-C-T. GRCh37 (hg19) VCF-style: chr2-87017506-C-T.
Other names: c.348G>A, p.Ser116= (NM_001145873.1, NM_001382698.1, NM_171827.4).
Identifiers: ClinVar variation 3054302 (VCV003054302.2), dbSNP rs758030009, ClinGen allele CA427167476.

ClinVar aggregate classification (germline): Likely benign (0 of 4 stars; one submission).

Conditions:
CD8A-related disorder. Also called: CD8A-related condition.

gnomAD v4.1: 2 of 1,613,946 alleles (0.00012%); highest among the groups gnomAD compares: African/African-American, 0.0013%; no homozygotes.

Submission:

PreventionGenetics, part of Exact Sciences
Classification: Likely benign for CD8A-related condition. Last evaluated: 2020-05-13. Review status: no assertion criteria provided. Collection method: clinical testing. Allele origin: germline.
Comment: This variant is classified as likely benign based on ACMG/AMP sequence variant interpretation guidelines (Richards et al. 2015 PMID: 25741868, with internal and published modifications).